The following is an entry in ClinVar:

NM_032609.3(COX4I2):c.488A>C (p.Asp163Ala)

Gene: COX4I2 (cytochrome c oxidase subunit 4I2; plus strand). Cytogenetic location: 20q11.21.
Variant type: single nucleotide variant.
Coding change: c.488A>C on transcript NM_032609.3 (MANE Select); coding-DNA position 488, A replaced by C.
Protein change: p.Asp163Ala; replaces aspartic acid 163 with alanine.
Molecular consequence: missense variant.
Genome position (GRCh38, 1-based): chr20:31,644,876, A>C. VCF-style: chr20-31644876-A-C. GRCh37 (hg19) VCF-style: chr20-30232679-A-C.
Other names: short protein forms D163A.
Identifiers: ClinVar variation 1347696 (VCV001347696.8), dbSNP rs2122342002, ClinGen allele CA408579954.

ClinVar aggregate classification (germline): Uncertain significance (1 of 4 stars; one submission).

Submission:

Labcorp Genetics (formerly Invitae), Labcorp
Classification: Uncertain significance. Last evaluated: 2025-02-25. Review status: criteria provided, single submitter. Criteria: Invitae Variant Classification Sherloc (09022015). Collection method: clinical testing. Allele origin: germline.
Comment: This sequence change replaces aspartic acid, which is acidic and polar, with alanine, which is neutral and non-polar, at codon 163 of the COX4I2 protein (p.Asp163Ala). This variant is not present in population databases (gnomAD no frequency). This variant has not been reported in the literature in individuals affected with COX4I2-related conditions. ClinVar contains an entry for this variant (Variation ID: 1347696). An algorithm developed to predict the effect of missense changes on protein structure and function (PolyPhen-2) suggests that this variant is likely to be disruptive. In summary, the available evidence is currently insufficient to determine the role of this variant in disease. Therefore, it has been classified as a Variant of Uncertain Significance.